The following is an entry in ClinVar:

NM_000088.4(COL1A1):c.3812G>T (p.Ser1271Ile)

Gene: COL1A1 (collagen type I alpha 1 chain; minus strand). Cytogenetic location: 17q21.33.
Variant type: single nucleotide variant.
Coding change: c.3812G>T on transcript NM_000088.4 (MANE Select); coding-DNA position 3812, G replaced by T.
Protein change: p.Ser1271Ile; replaces serine 1271 with isoleucine.
Molecular consequence: missense variant.
Genome position (GRCh38, 1-based): chr17:50,186,642, C>A on the plus strand (G>T on the coding strand, the complement: COL1A1 is on the minus strand). VCF-style: chr17-50186642-C-A. GRCh37 (hg19) VCF-style: chr17-48264003-C-A.
Other names: short protein forms S1271I.
Identifiers: ClinVar variation 2103237 (VCV002103237.5), dbSNP rs781680401, ClinGen allele CA400195890.

ClinVar aggregate classification (germline): Uncertain significance. Review status: criteria provided, multiple submitters, no conflicts (2 of 4 stars). 2 submissions from 2 submitters: Uncertain significance (2). Last evaluated 2026-05-09.

Conditions:
Osteogenesis imperfecta type I (OI1). Also called: Lobstein disease; Classic Non-deforming Osteogenesis Imperfecta with Blue Sclerae; OI, TYPE I; OSTEOGENESIS IMPERFECTA TARDA; OSTEOGENESIS IMPERFECTA WITH BLUE SCLERAE; Osteogenesis imperfecta type 1. Identifiers: Orphanet 216796, Orphanet 666, MedGen C0023931, MONDO:0008146, OMIM 166200. Disease mechanism: loss of function.

Submissions (2):

MVZ Martinsried, Medicover Genetics
Classification: Uncertain significance for Osteogenesis imperfecta type I. Last evaluated: 2026-05-09. Review status: criteria provided, single submitter. Criteria: ACGS Guidelines, 2020. Collection method: clinical testing. Allele origin: unknown. Observed: 1 heterozygote.

Labcorp Genetics (formerly Invitae), Labcorp
Classification: Uncertain significance for Osteogenesis imperfecta type I. Last evaluated: 2022-03-24. Review status: criteria provided, single submitter. Criteria: Invitae Variant Classification Sherloc (09022015). Collection method: clinical testing. Allele origin: germline.
Comment: This missense change has been observed in individual(s) with clinical features of osteogenesis imperfecta (Invitae). In summary, the available evidence is currently insufficient to determine the role of this variant in disease. Therefore, it has been classified as a Variant of Uncertain Significance. Algorithms developed to predict the effect of missense changes on protein structure and function are either unavailable or do not agree on the potential impact of this missense change (SIFT: "Deleterious"; PolyPhen-2: "Not Available"; Align-GVGD: "Class C0"). This variant is not present in population databases (gnomAD no frequency). This sequence change replaces serine, which is neutral and polar, with isoleucine, which is neutral and non-polar, at codon 1271 of the COL1A1 protein (p.Ser1271Ile).